The following is an entry in ClinVar:

ClinVar aggregate classification (germline): Uncertain significance (1 of 4 stars; one submission).

Allele frequency attached by ClinVar (database versions not stated): gnomAD exomes below 0.00001; TOPMed below 0.00001.
gnomAD v4.1: 1 of 1,613,630 alleles (0.000062%); highest among the groups gnomAD compares: East Asian, 0.0022%; no homozygotes.

Submission:

Ambry Genetics
Classification: Uncertain significance. Last evaluated: 2021-12-18. Review status: criteria provided, single submitter. Criteria: Ambry Variant Classification Scheme 2023. Collection method: clinical testing. Allele origin: germline.
Comment: The p.M394V variant (also known as c.1180A>G), located in coding exon 3 of the ALPK2 gene, results from an A to G substitution at nucleotide position 1180. The methionine at codon 394 is replaced by valine, an amino acid with highly similar properties. This amino acid position is conserved. In addition, this alteration is predicted to be tolerated by in silico analysis. Since supporting evidence is limited at this time, the clinical significance of this alteration remains unclear.

NM_052947.4(ALPK2):c.1180A>G (p.Met394Val)

Genes: ALPK2 (alpha kinase 2; minus strand), LOC114803473 (ALPK2 eExon liver enhancer; plus strand). Cytogenetic location: 18q21.31.
Variant type: single nucleotide variant.
Coding change: c.1180A>G on transcript NM_052947.4 (MANE Select); coding-DNA position 1180, A replaced by G.
Protein change: p.Met394Val; replaces methionine 394 with valine.
Molecular consequence: missense variant.
Genome position (GRCh38, 1-based): chr18:58,579,596, T>C on the plus strand (A>G on the coding strand, the complement: ALPK2 is on the minus strand). VCF-style: chr18-58579596-T-C. GRCh37 (hg19) VCF-style: chr18-56246828-T-C.
Other names: short protein forms M394V.
Identifiers: ClinVar variation 1742073 (VCV001742073.2), dbSNP rs934586383, ClinGen allele CA300927240.